The following is an entry in ClinVar:

NM_005359.6(SMAD4):c.1644A>G (p.Pro548=)

Gene: SMAD4 (SMAD family member 4; plus strand). Cytogenetic location: 18q21.2.
Variant type: single nucleotide variant.
Coding change: c.1644A>G on transcript NM_005359.6 (MANE Select); coding-DNA position 1644, A replaced by G.
Protein change: p.Pro548=; no amino-acid change (proline 548 retained).
Molecular consequence: synonymous variant.
Genome position (GRCh38, 1-based): chr18:51,078,452, A>G. VCF-style: chr18-51078452-A-G. GRCh37 (hg19) VCF-style: chr18-48604822-A-G.
Identifiers: ClinVar variation 240146 (VCV000240146.51), dbSNP rs756795016, ClinGen allele CA8966112.

ClinVar aggregate classification (germline): Conflicting classifications of pathogenicity. Review status: criteria provided, conflicting classifications (1 of 4 stars). 13 submissions from 11 submitters: Uncertain significance (3); Benign (2); Likely benign (7). 1 of the submissions does not count toward it. Last evaluated 2026-01-27.

Conditions:
Juvenile polyposis syndrome (JPS). Identifiers: Orphanet 2929, MedGen C0345893, MONDO:0017380, OMIM 174900.
SMAD4-related disorder. Also called: SMAD4-Related disorders; SMAD4-related condition.
Hereditary cancer-predisposing syndrome. Also called: Tumor predisposition; Hereditary Cancer Syndrome; Neoplastic Syndromes, Hereditary; Hereditary neoplastic syndrome. Identifiers: Orphanet 140162, MedGen C0027672, MeSH D009386, MONDO:0015356.
Generalized juvenile polyposis/juvenile polyposis coli. Also called: Juvenile polyposis coli. Identifiers: Orphanet 329971, MedGen C1868081, MONDO:0008276.
Myhre syndrome (MYHRS). Also called: LARYNGOTRACHEAL STENOSIS, ARTHROPATHY, PROGNATHISM, AND SHORT STATURE; LAPS SYNDROME. Identifiers: Orphanet 2588, MedGen C0796081, MONDO:0007688, OMIM 139210.
Familial thoracic aortic aneurysm and aortic dissection (TAAD). Also called: Thoracic aortic aneurysms and dissections. Identifiers: Orphanet 91387, MedGen C4707243, MONDO:0019625.
Juvenile polyposis/hereditary hemorrhagic telangiectasia syndrome (JPHT). Also called: JP/HHT SYNDROME; JUVENILE POLYPOSIS WITH HEREDITARY HEMORRHAGIC TELANGIECTASIA; POLYPOSIS, GENERALIZED JUVENILE, WITH PULMONARY ARTERIOVENOUS MALFORMATION; TELANGIECTASIA, HEREDITARY HEMORRHAGIC, WITH JUVENILE POLYPOSIS COLI; Juvenile Polyposis Syndrome / Hereditary Hemorrhagic Telangiectasia (JPS/HHT). Identifiers: Orphanet 2929, MedGen C1832942, MONDO:0008278, OMIM 175050.

Allele frequency attached by ClinVar (database versions not stated): ExAC 0.00001; gnomAD exomes 0.00001; gnomAD 0.00003 and 0.00004; TOPMed 0.00008.
gnomAD v4.1: 18 of 1,613,770 alleles (0.0011%); highest among the groups gnomAD compares: Admixed American, 0.005%; no homozygotes.

Submissions (13):

Labcorp Genetics (formerly Invitae), Labcorp
Classification: Likely benign for Juvenile polyposis syndrome. Last evaluated: 2026-01-27. Review status: criteria provided, single submitter. Criteria: Invitae Variant Classification Sherloc (09022015). Collection method: clinical testing. Allele origin: germline.

Women's Health and Genetics/Laboratory Corporation of America, LabCorp
Classification: Likely benign. Last evaluated: 2025-07-27. Review status: criteria provided, single submitter. Criteria: LabCorp Variant Classification Summary - May 2015. Collection method: clinical testing. Allele origin: germline.

Myriad Genetics, Inc.
Classification: Benign for Juvenile polyposis/hereditary hemorrhagic telangiectasia syndrome. Last evaluated: 2025-03-24. Review status: criteria provided, single submitter. Criteria: Myriad Autosomal Dominant, Autosomal Recessive and X-Linked Classification Criteria (2023). Collection method: clinical testing. Allele origin: unknown.
Comment: This variant is considered benign. This variant is a silent/synonymous amino acid change and it is not expected to impact splicing.

CeGaT Center for Human Genetics Tuebingen
Classification: Likely benign. Last evaluated: 2024-07-01. Review status: criteria provided, single submitter. Criteria: CeGaT Center For Human Genetics Tuebingen Variant Classification Criteria Version 2. Collection method: clinical testing. Allele origin: germline. Affected: yes. Observed: 2 variant alleles.
Comment: SMAD4: BP4, BP7

All of Us Research Program, National Institutes of Health
Classification: Likely benign for Juvenile polyposis/hereditary hemorrhagic telangiectasia syndrome. Last evaluated: 2023-08-15. Review status: criteria provided, single submitter. Criteria: ACMG Guidelines, 2015. Collection method: clinical testing. Allele origin: germline. Inheritance: Autosomal dominant inheritance. Observed: 5 variant alleles, 5 heterozygotes.
Comment: This study involves interpretation of variants in research participants for the purpose of population health screening. Participant phenotype was not available at the time of variant classification. Additional details can be found in publication PMID: 35346344, PMCID: PMC8962531

Sema4
Classification: Likely benign for Hereditary cancer-predisposing syndrome. Last evaluated: 2021-05-10. Review status: criteria provided, single submitter. Criteria: Sema4 Curation Guidelines. Collection method: curation. Allele origin: germline.

Illumina Laboratory Services, Illumina
Classification: Uncertain significance for Juvenile polyposis syndrome. Last evaluated: 2018-01-12. Review status: criteria provided, single submitter. Criteria: ICSL Variant Classification Criteria 13 December 2019. Collection method: clinical testing. Allele origin: germline.

Illumina Laboratory Services, Illumina
Classification: Uncertain significance for Myhre syndrome. Last evaluated: 2018-01-12. Review status: criteria provided, single submitter. Criteria: ICSL Variant Classification Criteria 13 December 2019. Collection method: clinical testing. Allele origin: germline.

Illumina Laboratory Services, Illumina
Classification: Uncertain significance for Juvenile polyposis/hereditary hemorrhagic telangiectasia syndrome. Last evaluated: 2018-01-12. Review status: criteria provided, single submitter. Criteria: ICSL Variant Classification Criteria 13 December 2019. Collection method: clinical testing. Allele origin: germline.

Color Diagnostics, LLC DBA Color Health
Classification: Likely benign for Hereditary cancer-predisposing syndrome. Last evaluated: 2017-01-11. Review status: criteria provided, single submitter. Criteria: ACMG Guidelines, 2015. Collection method: clinical testing. Allele origin: germline.

Ambry Genetics
Classification: Likely benign for Hereditary cancer-predisposing syndrome; Familial thoracic aortic aneurysm and aortic dissection. Last evaluated: 2015-08-14. Review status: criteria provided, single submitter. Criteria: Ambry Variant Classification Scheme 2023. Collection method: clinical testing. Allele origin: germline.

GeneDx
Classification: Benign. Last evaluated: 2015-08-11. Review status: criteria provided, single submitter. Criteria: GeneDx Variant Classification (06012015). Collection method: clinical testing. Allele origin: germline. Affected: yes.
Comment: This variant is considered likely benign or benign based on one or more of the following criteria: it is a conservative change, it occurs at a poorly conserved position in the protein, it is predicted to be benign by multiple in silico algorithms, and/or has population frequency not consistent with disease.

PreventionGenetics, part of Exact Sciences
Classification: Likely benign for SMAD4-related condition. Last evaluated: 2023-02-08. Review status: no assertion criteria provided. Collection method: clinical testing. Allele origin: germline. Not counted in ClinVar's aggregate classification.
Comment: This variant is classified as likely benign based on ACMG/AMP sequence variant interpretation guidelines (Richards et al. 2015 PMID: 25741868, with internal and published modifications).